The following is an entry in ClinVar:

NM_002485.5(NBN):c.480+3A>T

Gene: NBN (nibrin; minus strand). Cytogenetic location: 8q21.3.
Variant type: single nucleotide variant.
Coding change: c.480+3A>T on transcript NM_002485.5 (MANE Select); 3 bases into the intron after coding-DNA position 480, A replaced by T.
Molecular consequence: intron variant.
Genome position (GRCh38, 1-based): chr8:89,980,731, T>A on the plus strand (A>T on the coding strand, the complement: NBN is on the minus strand). VCF-style: chr8-89980731-T-A. GRCh37 (hg19) VCF-style: chr8-90992959-T-A.
Other names: c.234+3A>T (NM_001024688.3).
Identifiers: ClinVar variation 1063206 (VCV001063206.4), dbSNP rs756817252, ClinGen allele CA2499219444.

ClinVar aggregate classification (germline): Uncertain significance (1 of 4 stars; one submission).

Conditions:
Microcephaly, normal intelligence and immunodeficiency (NBS). Also called: BERLIN BREAKAGE SYNDROME; SEEMANOVA SYNDROME II; Immunodeficiency, microcephaly with normal intelligence; Nijmegen breakage syndrome; Microcephaly with normal intelligence immunodeficiency and lymphoreticular malignancies; Nonsyndromal microcephaly autosomal recessive with normal intelligence. Identifiers: Orphanet 647, MedGen C0398791, MONDO:0009623, OMIM 251260.

gnomAD v4.1: 1 of 1,607,758 alleles (0.000062%); highest among the groups gnomAD compares: Non-Finnish European, 0.000085%; no homozygotes.

Submission:

Labcorp Genetics (formerly Invitae), Labcorp
Classification: Uncertain significance for Microcephaly, normal intelligence and immunodeficiency. Last evaluated: 2022-08-25. Review status: criteria provided, single submitter. Criteria: Invitae Variant Classification Sherloc (09022015). Collection method: clinical testing. Allele origin: germline.
Comment: This sequence change falls in intron 4 of the NBN gene. It does not directly change the encoded amino acid sequence of the NBN protein. It affects a nucleotide within the consensus splice site. This variant is not present in population databases (gnomAD no frequency). This variant has not been reported in the literature in individuals affected with NBN-related conditions. ClinVar contains an entry for this variant (Variation ID: 1063206). Variants that disrupt the consensus splice site are a relatively common cause of aberrant splicing (PMID: 17576681, 9536098). Algorithms developed to predict the effect of sequence changes on RNA splicing suggest that this variant may disrupt the consensus splice site. In summary, the available evidence is currently insufficient to determine the role of this variant in disease. Therefore, it has been classified as a Variant of Uncertain Significance.

Literature cited by the submitters: PubMed 17576681; PubMed 9536098.